The following is an entry in ClinVar:

ClinVar aggregate classification (germline): Uncertain significance. Review status: criteria provided, multiple submitters, no conflicts (2 of 4 stars). 2 submissions from 2 submitters: Uncertain significance (2). Last evaluated 2026-01-02.

Conditions:
Hereditary cancer-predisposing syndrome. Also called: Neoplastic Syndromes, Hereditary; Hereditary neoplastic syndrome; Tumor predisposition; Hereditary Cancer Syndrome. Identifiers: Orphanet 140162, MedGen C0027672, MeSH D009386, MONDO:0015356.
Familial adenomatous polyposis 1 (FAP1). Also called: FAMILIAL ADENOMATOUS POLYPOSIS 1, ATTENUATED; POLYPOSIS, ADENOMATOUS INTESTINAL. Identifiers: MedGen C2713442, MONDO:0021056, OMIM 175100. Disease mechanism: loss of function.

Submissions (2):

Labcorp Genetics (formerly Invitae), Labcorp
Classification: Uncertain significance for Familial adenomatous polyposis 1. Last evaluated: 2026-01-02. Review status: criteria provided, single submitter. Criteria: Invitae Variant Classification Sherloc (09022015). Collection method: clinical testing. Allele origin: germline.
Comment: This sequence change replaces valine, which is neutral and non-polar, with glycine, which is neutral and non-polar, at codon 1520 of the APC protein (p.Val1520Gly). This variant is not present in population databases (gnomAD no frequency). This variant has not been reported in the literature in individuals affected with APC-related conditions. ClinVar contains an entry for this variant (Variation ID: 1392651). Invitae Evidence Modeling of protein sequence and biophysical properties (such as structural, functional, and spatial information, amino acid conservation, physicochemical variation, residue mobility, and thermodynamic stability) indicates that this missense variant is not expected to disrupt APC protein function with a negative predictive value of 95%. In summary, the available evidence is currently insufficient to determine the role of this variant in disease. Therefore, it has been classified as a Variant of Uncertain Significance.

Ambry Genetics
Classification: Uncertain significance for Hereditary cancer-predisposing syndrome. Last evaluated: 2024-04-24. Review status: criteria provided, single submitter. Criteria: Ambry Variant Classification Scheme 2023. Collection method: clinical testing. Allele origin: germline.
Comment: The p.V1520G variant (also known as c.4559T>G), located in coding exon 15 of the APC gene, results from a T to G substitution at nucleotide position 4559. The valine at codon 1520 is replaced by glycine, an amino acid with dissimilar properties. Missense alterations in APC are not a common cause of disease (Spier I et al. Genet Med. 2024 Feb;26(2):100992).This amino acid position is conserved. In addition, in silico predictors for this gene do not accurately predict pathogenicity. Based on the available evidence, the clinical significance of this variant remains unclear.

NM_000038.6(APC):c.4559T>G (p.Val1520Gly)

Gene: APC (APC regulator of Wnt signaling pathway; plus strand). Cytogenetic location: 5q22.2.
Variant type: single nucleotide variant.
Coding change: c.4559T>G on transcript NM_000038.6 (MANE Select); coding-DNA position 4559, T replaced by G.
Protein change: p.Val1520Gly; replaces valine 1520 with glycine.
Molecular consequence: missense variant.
Genome position (GRCh38, 1-based): chr5:112,840,153, T>G. VCF-style: chr5-112840153-T-G. GRCh37 (hg19) VCF-style: chr5-112175850-T-G.
Other names: c.4559T>G, p.Val1520Gly (NM_001127510.3, NM_001354895.2); c.4505T>G, p.Val1502Gly (NM_001127511.3); c.4613T>G, p.Val1538Gly (NM_001354896.2); c.4589T>G, p.Val1530Gly (NM_001354897.2); c.4484T>G, p.Val1495Gly (NM_001354898.2); c.4475T>G, p.Val1492Gly (NM_001354899.2); c.4436T>G, p.Val1479Gly (NM_001354900.2); c.4382T>G, p.Val1461Gly (NM_001354901.2); and 6 more; short protein forms V1419G, V1479G, V1520G, V1360G, V1394G, V1429G, V1502G, V1461G.
Identifiers: ClinVar variation 1392651 (VCV001392651.7), dbSNP rs2149917552, ClinGen allele CA16031314.